The following is an entry in ClinVar:

ClinVar aggregate classification (germline): Uncertain significance. Review status: criteria provided, multiple submitters, no conflicts (2 of 4 stars). 2 submissions from 2 submitters: Uncertain significance (2). Last evaluated 2025-10-28.

Conditions:
Inborn genetic diseases. Identifiers: MedGen C0950123, MeSH D030342.

Allele frequency attached by ClinVar (database versions not stated): ESP Exome Variant Server 0.00008; gnomAD 0.00025; TOPMed 0.00028; 1000 Genomes Project 30x 0.00078; 1000 Genomes Project 0.00080.
gnomAD v4.1: 70 of 1,613,986 alleles (0.0043%); highest among the groups gnomAD compares: Admixed American, 0.11%; no homozygotes.

Submissions (2):

Ambry Genetics
Classification: Uncertain significance for Inborn genetic diseases. Last evaluated: 2025-10-28. Review status: criteria provided, single submitter. Criteria: Ambry Variant Classification Scheme 2023. Collection method: clinical testing. Allele origin: germline.

Labcorp Genetics (formerly Invitae), Labcorp
Classification: Uncertain significance. Last evaluated: 2025-08-28. Review status: criteria provided, single submitter. Criteria: Invitae Variant Classification Sherloc (09022015). Collection method: clinical testing. Allele origin: germline.
Comment: This sequence change replaces glutamic acid, which is acidic and polar, with aspartic acid, which is acidic and polar, at codon 412 of the C1S protein (p.Glu412Asp). This variant is present in population databases (rs199547819, gnomAD 0.06%). This variant has not been reported in the literature in individuals affected with C1S-related conditions. ClinVar contains an entry for this variant (Variation ID: 1373697). Invitae Evidence Modeling of protein sequence and biophysical properties (such as structural, functional, and spatial information, amino acid conservation, physicochemical variation, residue mobility, and thermodynamic stability) indicates that this missense variant is not expected to disrupt C1S protein function with a negative predictive value of 80%. In summary, the available evidence is currently insufficient to determine the role of this variant in disease. Therefore, it has been classified as a Variant of Uncertain Significance.

NM_001734.5(C1S):c.1236G>C (p.Glu412Asp)

Gene: C1S (complement C1s; plus strand). Cytogenetic location: 12p13.31.
Variant type: single nucleotide variant.
Coding change: c.1236G>C on transcript NM_001734.5 (MANE Select); coding-DNA position 1236, G replaced by C.
Protein change: p.Glu412Asp; replaces glutamic acid 412 with aspartic acid.
Molecular consequence: missense variant.
Genome position (GRCh38, 1-based): chr12:7,068,496, G>C. VCF-style: chr12-7068496-G-C. GRCh37 (hg19) VCF-style: chr12-7175800-G-C.
Other names: c.735G>C, p.Glu245Asp (NM_001346850.2); c.1236G>C, p.Glu412Asp (NM_201442.4); c.1236G>C (NM_201442.2); short protein forms E245D, E412D.
Identifiers: ClinVar variation 1373697 (VCV001373697.7), dbSNP rs199547819, ClinGen allele CA6423732.